The following is an entry in ClinVar:

NM_021096.4(CACNA1I):c.309C>A (p.Asp103Glu)

Gene: CACNA1I (calcium voltage-gated channel subunit alpha1 I; plus strand). Cytogenetic location: 22q13.1.
Variant type: single nucleotide variant.
Coding change: c.309C>A on transcript NM_021096.4 (MANE Select); coding-DNA position 309, C replaced by A.
Protein change: p.Asp103Glu; replaces aspartic acid 103 with glutamic acid.
Molecular consequence: missense variant.
Genome position (GRCh38, 1-based): chr22:39,598,223, C>A. VCF-style: chr22-39598223-C-A. GRCh37 (hg19) VCF-style: chr22-39994228-C-A.
Other names: c.309C>A, p.Asp103Glu (NM_001003406.2); short protein forms D103E.
Identifiers: ClinVar variation 3826663 (VCV003826663.2).

ClinVar aggregate classification (germline): Conflicting classifications of pathogenicity. Review status: criteria provided, conflicting classifications (1 of 4 stars). 2 submissions from 2 submitters: Uncertain significance (1); Likely benign (1). Last evaluated 2026-08-01.

gnomAD v4.1: 68 of 1,607,508 alleles (0.0042%); highest among the groups gnomAD compares: Non-Finnish European, 0.0055%; no homozygotes.

Submissions (2):

CeGaT Center for Human Genetics Tuebingen
Classification: Likely benign. Last evaluated: 2026-08-01. Review status: criteria provided, single submitter. Criteria: CeGaT Center For Human Genetics Tuebingen Variant Classification Criteria Version 2. Collection method: clinical testing. Allele origin: germline. Affected: yes. Observed: 1 variant allele.
Comment: CACNA1I: PP2, BS2

Ambry Genetics
Classification: Uncertain significance. Last evaluated: 2024-12-16. Review status: criteria provided, single submitter. Criteria: Ambry Variant Classification Scheme 2023. Collection method: clinical testing. Allele origin: germline.